The following is an entry in ClinVar:

NM_014679.5(CEP57):c.314A>G (p.Lys105Arg)

Gene: CEP57 (centrosomal protein 57; plus strand). Cytogenetic location: 11q21.
Variant type: single nucleotide variant.
Coding change: c.314A>G on transcript NM_014679.5 (MANE Select); coding-DNA position 314, A replaced by G.
Protein change: p.Lys105Arg; replaces lysine 105 with arginine.
Molecular consequence: missense variant. On other transcripts: intron variant (3).
Genome position (GRCh38, 1-based): chr11:95,813,043, A>G. VCF-style: chr11-95813043-A-G. GRCh37 (hg19) VCF-style: chr11-95546207-A-G.
Other names: c.287A>G, p.Lys96Arg (NM_001243776.2); c.314A>G, p.Lys105Arg (NM_001243777.2, NM_001440871.1, NM_001440872.1 and 4 more transcripts); c.233A>G, p.Lys78Arg (NM_001363604.2, NM_001440869.1, NM_001440870.1 and 3 more transcripts); c.203-425A>G (NM_001440873.1, NM_001440881.1); c.122-425A>G (NM_001440880.1); short protein forms K96R, K105R, K78R.
Identifiers: ClinVar variation 5034391 (VCV005034391.1).

ClinVar aggregate classification (germline): Uncertain significance (1 of 4 stars; one submission).

Conditions:
Inborn genetic diseases. Identifiers: MedGen C0950123, MeSH D030342.

gnomAD v4.1: 1 of 1,613,950 alleles (0.000062%); highest among the groups gnomAD compares: Non-Finnish European, 0.000085%; no homozygotes.

Submission:

Ambry Genetics
Classification: Uncertain significance for Inborn genetic diseases. Last evaluated: 2026-08-31. Review status: criteria provided, single submitter. Criteria: Ambry Variant Classification Scheme 2023. Collection method: clinical testing. Allele origin: germline.
Comment: The p.K105R variant (also known as c.314A>G), located in coding exon 3 of the CEP57 gene, results from an A to G substitution at nucleotide position 314. The lysine at codon 105 is replaced by arginine, an amino acid with highly similar properties. This amino acid position is conserved. In addition, the in silico prediction for this alteration is inconclusive. Based on the available evidence, the clinical significance of this variant remains unclear.